The following is an entry in ClinVar:

NM_019112.4(ABCA7):c.954C>T (p.Leu318=)

Gene: ABCA7 (ATP binding cassette subfamily A member 7; plus strand). Cytogenetic location: 19p13.3.
Variant type: single nucleotide variant.
Coding change: c.954C>T on transcript NM_019112.4 (MANE Select); coding-DNA position 954, C replaced by T.
Protein change: p.Leu318=; no amino-acid change (leucine 318 retained).
Molecular consequence: synonymous variant.
Genome position (GRCh38, 1-based): chr19:1,043,748, C>T. VCF-style: chr19-1043748-C-T. GRCh37 (hg19) VCF-style: chr19-1043747-C-T.
Identifiers: ClinVar variation 2648887 (VCV002648887.25), dbSNP rs149023827, ClinGen allele CA9032835.

ClinVar aggregate classification (germline): Likely benign. Review status: criteria provided, multiple submitters, no conflicts (2 of 4 stars). 2 submissions from 2 submitters: Likely benign (2). Last evaluated 2024-11-14.

Allele frequency attached by ClinVar (database versions not stated): 1000 Genomes Project 0.00060; 1000 Genomes Project 30x 0.00078; gnomAD 0.00154; TOPMed 0.00158; ExAC 0.00178; gnomAD exomes 0.00264; ESP Exome Variant Server 0.00300.
gnomAD v4.1: 4,035 of 1,613,030 alleles (0.25%); highest among the groups gnomAD compares: Non-Finnish European, 0.32%; 6 homozygotes.

Submissions (2):

Blueprint Genetics
Classification: Likely benign. Last evaluated: 2024-11-14. Review status: criteria provided, single submitter. Criteria: ACMG Guidelines, 2015. Collection method: clinical testing. Allele origin: germline.

CeGaT Center for Human Genetics Tuebingen
Classification: Likely benign. Last evaluated: 2022-11-01. Review status: criteria provided, single submitter. Criteria: CeGaT Center For Human Genetics Tuebingen Variant Classification Criteria Version 2. Collection method: clinical testing. Allele origin: germline. Affected: yes. Observed: 2 variant alleles.
Comment: ABCA7: BP4, BP7, BS2